The following is an entry in ClinVar:

NM_001376.5(DYNC1H1):c.13085A>G (p.Lys4362Arg)

Gene: DYNC1H1 (dynein cytoplasmic 1 heavy chain 1; plus strand). Cytogenetic location: 14q32.31.
Variant type: single nucleotide variant.
Coding change: c.13085A>G on transcript NM_001376.5 (MANE Select); coding-DNA position 13085, A replaced by G.
Protein change: p.Lys4362Arg; replaces lysine 4362 with arginine.
Molecular consequence: missense variant.
Genome position (GRCh38, 1-based): chr14:102,047,895, A>G. VCF-style: chr14-102047895-A-G. GRCh37 (hg19) VCF-style: chr14-102514232-A-G.
Other names: short protein forms K4362R.
Identifiers: ClinVar variation 1354727 (VCV001354727.8), dbSNP rs2152600168, ClinGen allele CA391045988.

ClinVar aggregate classification (germline): Uncertain significance (1 of 4 stars; one submission).

Conditions:
Charcot-Marie-Tooth disease axonal type 2O. Also called: Charcot-Marie-Tooth Neuropathy Type 2O; Charcot-Marie-Tooth disease, axonal, type 20; CHARCOT-MARIE-TOOTH NEUROPATHY, AXONAL, TYPE 2O; CHARCOT-MARIE-TOOTH DISEASE, AXONAL, AUTOSOMAL DOMINANT, TYPE 2O. Identifiers: Orphanet 284232, MedGen C3280220, MONDO:0013644, OMIM 614228.

Submission:

Labcorp Genetics (formerly Invitae), Labcorp
Classification: Uncertain significance for Charcot-Marie-Tooth disease axonal type 2O. Last evaluated: 2024-02-17. Review status: criteria provided, single submitter. Criteria: Invitae Variant Classification Sherloc (09022015). Collection method: clinical testing. Allele origin: germline.
Comment: This sequence change replaces lysine, which is basic and polar, with arginine, which is basic and polar, at codon 4362 of the DYNC1H1 protein (p.Lys4362Arg). This variant is not present in population databases (gnomAD no frequency). This variant has not been reported in the literature in individuals affected with DYNC1H1-related conditions. ClinVar contains an entry for this variant (Variation ID: 1354727). Advanced modeling of protein sequence and biophysical properties (such as structural, functional, and spatial information, amino acid conservation, physicochemical variation, residue mobility, and thermodynamic stability) performed at Invitae indicates that this missense variant is not expected to disrupt DYNC1H1 protein function with a negative predictive value of 95%. In summary, the available evidence is currently insufficient to determine the role of this variant in disease. Therefore, it has been classified as a Variant of Uncertain Significance.